The following is an entry in ClinVar:

NM_000601.6(HGF):c.1286A>G (p.Glu429Gly)

Gene: HGF (hepatocyte growth factor; minus strand). Cytogenetic location: 7q21.11.
Variant type: single nucleotide variant.
Coding change: c.1286A>G on transcript NM_000601.6 (MANE Select); coding-DNA position 1286, A replaced by G.
Protein change: p.Glu429Gly; replaces glutamic acid 429 with glycine.
Molecular consequence: missense variant.
Genome position (GRCh38, 1-based): chr7:81,717,351, T>C on the plus strand (A>G on the coding strand, the complement: HGF is on the minus strand). VCF-style: chr7-81717351-T-C. GRCh37 (hg19) VCF-style: chr7-81346667-T-C.
Other names: c.1271A>G, p.Glu424Gly (NM_001010932.3); short protein forms E429G, E424G.
Identifiers: ClinVar variation 2800845 (VCV002800845.3), dbSNP rs1300429400, ClinGen allele CA367874054.
Genomic context (GRCh38, chr7:81,717,351, plus strand): 5'-CCATGAGCATCATCATCTGGATTTCGGCAGTAATTCTCATTCAGCTTACTTGCATCTGGT[T>C]CCCAGAAGATATGACTGTGGAAACAACAGGCCTTGCACATCACAAGATGCTCATTCCATC-3'
Protein context (NP_000592.3, residues 419-439): MEDLHRHIFW[Glu429Gly]PDASKLNENY

ClinVar aggregate classification (germline): Uncertain significance (1 of 4 stars; one submission).

Allele frequency attached by ClinVar (database versions not stated): gnomAD 0.00001; gnomAD exomes below 0.00001; TOPMed 0.00001.
gnomAD v4.1: 7 of 1,613,482 alleles (0.00043%); highest among the groups gnomAD compares: Non-Finnish European, 0.00059%; no homozygotes.

Submission:

Labcorp Genetics (formerly Invitae), Labcorp
Classification: Uncertain significance. Last evaluated: 2025-03-07. Review status: criteria provided, single submitter. Criteria: Invitae Variant Classification Sherloc (09022015). Collection method: clinical testing. Allele origin: germline.
Comment: This sequence change replaces glutamic acid, which is acidic and polar, with glycine, which is neutral and non-polar, at codon 429 of the HGF protein (p.Glu429Gly). This variant is not present in population databases (gnomAD no frequency). This variant has not been reported in the literature in individuals affected with HGF-related conditions. ClinVar contains an entry for this variant (Variation ID: 2800845). An algorithm developed to predict the effect of missense changes on protein structure and function (PolyPhen-2) suggests that this variant is likely to be disruptive. In summary, the available evidence is currently insufficient to determine the role of this variant in disease. Therefore, it has been classified as a Variant of Uncertain Significance.